The following is an entry in ClinVar:

ClinVar aggregate classification (germline): Uncertain significance (1 of 4 stars; one submission).

Allele frequency attached by ClinVar (database versions not stated): gnomAD exomes below 0.00001 and 0.00001.
gnomAD v4.1: 4 of 1,608,522 alleles (0.00025%); highest among the groups gnomAD compares: Admixed American, 0.0017%; no homozygotes.

Submission:

Labcorp Genetics (formerly Invitae), Labcorp
Classification: Uncertain significance. Last evaluated: 2024-07-01. Review status: criteria provided, single submitter. Criteria: Invitae Variant Classification Sherloc (09022015). Collection method: clinical testing. Allele origin: germline.
Comment: This sequence change creates a premature translational stop signal (p.Tyr714*) in the CLCN6 gene. It is expected to result in an absent or disrupted protein product. However, the current clinical and genetic evidence is not sufficient to establish whether loss-of-function variants in CLCN6 cause disease. The frequency data for this variant in the population databases is considered unreliable, as metrics indicate poor data quality at this position in the gnomAD database. This variant has not been reported in the literature in individuals affected with CLCN6-related conditions. ClinVar contains an entry for this variant (Variation ID: 1349263). In summary, the available evidence is currently insufficient to determine the role of this variant in disease. Therefore, it has been classified as a Variant of Uncertain Significance.

NM_001286.5(CLCN6):c.2142C>A (p.Tyr714Ter)

Gene: CLCN6 (chloride voltage-gated channel 6; plus strand). Cytogenetic location: 1p36.22.
Variant type: single nucleotide variant.
Coding change: c.2142C>A on transcript NM_001286.5 (MANE Select); coding-DNA position 2142, C replaced by A.
Protein change: p.Tyr714Ter; replaces tyrosine 714 with a stop codon.
Molecular consequence: nonsense. On other transcripts: non-coding transcript variant (1).
Genome position (GRCh38, 1-based): chr1:11,837,346, C>A. VCF-style: chr1-11837346-C-A. GRCh37 (hg19) VCF-style: chr1-11897403-C-A.
Other names: c.2076C>A, p.Tyr692Ter (NM_001256959.2); short protein forms Y714*, Y692*.
Identifiers: ClinVar variation 1349263 (VCV001349263.6), dbSNP rs1296368387, ClinGen allele CA338440471.